The following is an entry in ClinVar:

NM_004795.4(KL):c.614G>A (p.Gly205Asp)

Gene: KL (klotho; plus strand). Cytogenetic location: 13q13.1.
Variant type: single nucleotide variant.
Coding change: c.614G>A on transcript NM_004795.4 (MANE Select); coding-DNA position 614, G replaced by A.
Protein change: p.Gly205Asp; replaces glycine 205 with aspartic acid.
Molecular consequence: missense variant.
Genome position (GRCh38, 1-based): chr13:33,017,054, G>A. VCF-style: chr13-33017054-G-A. GRCh37 (hg19) VCF-style: chr13-33591192-G-A.
Other names: short protein forms G205D.
Identifiers: ClinVar variation 883759 (VCV000883759.14), dbSNP rs200611452, ClinGen allele CA6943927.
Genomic context (GRCh38, chr13:33,017,054, plus strand): 5'-TGCAGCCCGTGGTCACCCTGTACCACTGGGACCTGCCCCAGCGCCTGCAGGACGCCTACG[G>A]CGGCTGGGCCAACCGCGCCCTGGCCGACCACTTCAGGGATTACGCGGAGCTCTGCTTCCG-3'
Protein context (NP_004786.2, residues 195-215): DLPQRLQDAY[Gly205Asp]GWANRALADH

ClinVar aggregate classification (germline): Conflicting classifications of pathogenicity. Review status: criteria provided, conflicting classifications (1 of 4 stars). 5 submissions from 5 submitters: Uncertain significance (1); Likely benign (4). Last evaluated 2025-11-22.

Conditions:
Tumoral calcinosis, hyperphosphatemic, familial, 3. Identifiers: MedGen C4693864, MONDO:0060715, OMIM 617994.
KL-related disorder. Also called: KL-related condition.

Allele frequency attached by ClinVar (database versions not stated): gnomAD 0.00026 and 0.00036; TOPMed 0.00041; gnomAD exomes 0.00057 and 0.00095; 1000 Genomes Project 30x 0.00062; 1000 Genomes Project 0.00080; ExAC 0.00145.
gnomAD v4.1: 896 of 1,601,268 alleles (0.056%); highest among the groups gnomAD compares: South Asian, 0.32%; 5 homozygotes.

Submissions (5):

Labcorp Genetics (formerly Invitae), Labcorp
Classification: Likely benign. Last evaluated: 2025-11-22. Review status: criteria provided, single submitter. Criteria: Invitae Variant Classification Sherloc (09022015). Collection method: clinical testing. Allele origin: germline.

Rare Kidney Stone Consortium and the Mayo Clinic Hyperoxaluria Center, Mayo Clinic
Classification: Uncertain significance for Tumoral calcinosis, hyperphosphatemic, familial, 3. Last evaluated: 2025-10-03. Review status: criteria provided, single submitter. Criteria: ACMG Guidelines, 2015. Collection method: research. Allele origin: germline. Observed: 1 variant allele.
Comment: ACMG:PM2, BP6

PreventionGenetics, part of Exact Sciences
Classification: Likely benign for KL-related condition. Last evaluated: 2025-04-17. Review status: criteria provided, single submitter. Criteria: ACMG Guidelines, 2015. Collection method: clinical testing. Allele origin: germline.
Comment: This variant is classified as likely benign based on ACMG/AMP sequence variant interpretation guidelines (Richards et al. 2015 PMID: 25741868, with internal and published modifications).

Illumina Laboratory Services, Illumina
Classification: Likely benign for Tumoral calcinosis, hyperphosphatemic, familial, 3. Last evaluated: 2018-01-13. Review status: criteria provided, single submitter. Criteria: ICSL Variant Classification Criteria 13 December 2019. Collection method: clinical testing. Allele origin: germline.
Comment: This variant was observed in the ICSL laboratory as part of a predisposition screen in an ostensibly healthy population. It had not been previously curated by ICSL or reported in the Human Gene Mutation Database (HGMD: prior to June 1st, 2018), and was therefore a candidate for classification through an automated scoring system. Utilizing variant allele frequency, disease prevalence and penetrance estimates, and inheritance mode, an automated score was calculated to assess if this variant is too frequent to cause the disease. Based on the score and internal cut-off values, a variant classified as likely benign is not then subjected to further curation. The score for this variant resulted in a classification of likely benign for this disease.

Breakthrough Genomics
Classification: Likely benign. Review status: criteria provided, single submitter. Criteria: ACMG Guidelines, 2015. Collection method: not provided. Allele origin: germline. Inheritance: Autosomal recessive inheritance. Affected: yes.

Literature cited by the submitters: PubMed 40794449 (cited by Rare Kidney Stone Consortium and the Mayo Clinic Hyperoxaluria Center, Mayo Clinic).